The following is an entry in ClinVar:

ClinVar aggregate classification (germline): Uncertain significance (1 of 4 stars; one submission).

Allele frequency attached by ClinVar (database versions not stated): gnomAD exomes 0.00001 and 0.00002; ExAC 0.00002; TOPMed 0.00002; gnomAD 0.00004 and 0.00005; 1000 Genomes Project 30x 0.00016; 1000 Genomes Project 0.00020.

Submission:

Labcorp Genetics (formerly Invitae), Labcorp
Classification: Uncertain significance. Last evaluated: 2022-07-11. Review status: criteria provided, single submitter. Criteria: Invitae Variant Classification Sherloc (09022015). Collection method: clinical testing. Allele origin: germline.
Comment: In summary, the available evidence is currently insufficient to determine the role of this variant in disease. Therefore, it has been classified as a Variant of Uncertain Significance. Advanced modeling of protein sequence and biophysical properties (such as structural, functional, and spatial information, amino acid conservation, physicochemical variation, residue mobility, and thermodynamic stability) performed at Invitae indicates that this missense variant is not expected to disrupt CYP4V2 protein function. ClinVar contains an entry for this variant (Variation ID: 942415). This variant has not been reported in the literature in individuals affected with CYP4V2-related conditions. This variant is present in population databases (rs563685672, gnomAD 0.02%). This sequence change replaces methionine, which is neutral and non-polar, with threonine, which is neutral and polar, at codon 229 of the CYP4V2 protein (p.Met229Thr).

NM_207352.4(CYP4V2):c.686T>C (p.Met229Thr)

Gene: CYP4V2 (cytochrome P450 family 4 subfamily V member 2; plus strand). Cytogenetic location: 4q35.1.
Variant type: single nucleotide variant.
Coding change: c.686T>C on transcript NM_207352.4 (MANE Select); coding-DNA position 686, T replaced by C.
Protein change: p.Met229Thr; replaces methionine 229 with threonine.
Molecular consequence: missense variant.
Genome position (GRCh38, 1-based): chr4:186,198,968, T>C. VCF-style: chr4-186198968-T-C. GRCh37 (hg19) VCF-style: chr4-187120122-T-C.
Other names: short protein forms M229T.
Identifiers: ClinVar variation 942415 (VCV000942415.10), dbSNP rs563685672, ClinGen allele CA3162635.